The following is an entry in ClinVar:

ClinVar aggregate classification (germline): Benign (0 of 4 stars; one submission).

Conditions:
CTBP2-related disorder. Also called: CTBP2-related condition.

Allele frequency attached by ClinVar (database versions not stated): 1000 Genomes Project 30x 0.00750; 1000 Genomes Project 0.00759; TOPMed 0.01328; gnomAD 0.01371; ESP Exome Variant Server 0.01639; ExAC 0.01690; gnomAD exomes 0.02039.
gnomAD v4.1: 31,714 of 1,612,740 alleles (2%); highest among the groups gnomAD compares: Non-Finnish European, 2.3%; 392 homozygotes.

Submission:

PreventionGenetics, part of Exact Sciences
Classification: Benign for CTBP2-related condition. Last evaluated: 2019-02-20. Review status: no assertion criteria provided. Collection method: clinical testing. Allele origin: germline.
Comment: This variant is classified as benign based on ACMG/AMP sequence variant interpretation guidelines (Richards et al. 2015 PMID: 25741868, with internal and published modifications).

NM_001329.4(CTBP2):c.59-2109G>A

Gene: CTBP2 (C-terminal binding protein 2; minus strand). Cytogenetic location: 10q26.13.
Variant type: single nucleotide variant.
Coding change: c.59-2109G>A on transcript NM_001329.4 (MANE Select); 2109 bases into the intron before coding-DNA position 59, G replaced by A.
Molecular consequence: intron variant. On other transcripts: missense variant (1).
Genome position (GRCh38, 1-based): chr10:125,005,601, C>T on the plus strand (G>A on the coding strand, the complement: CTBP2 is on the minus strand). VCF-style: chr10-125005601-C-T. GRCh37 (hg19) VCF-style: chr10-126694170-C-T.
Other names: c.208G>A, p.Gly70Arg (NM_001363508.2); c.59-2109G>A (NM_001083914.3, NM_001290214.3, NM_001321012.2 and 3 more transcripts); c.1679-2109G>A (NM_022802.3); short protein forms G70R.
Identifiers: ClinVar variation 3042376 (VCV003042376.2), dbSNP rs41303611, ClinGen allele CA5736045.